The following is an entry in ClinVar:

NM_019032.6(ADAMTSL4):c.2264G>C (p.Gly755Ala)

Gene: ADAMTSL4 (ADAMTS like 4; plus strand). Cytogenetic location: 1q21.2.
Variant type: single nucleotide variant.
Coding change: c.2264G>C on transcript NM_019032.6 (MANE Select); coding-DNA position 2264, G replaced by C.
Protein change: p.Gly755Ala; replaces glycine 755 with alanine.
Molecular consequence: missense variant.
Genome position (GRCh38, 1-based): chr1:150,558,031, G>C. VCF-style: chr1-150558031-G-C. GRCh37 (hg19) VCF-style: chr1-150530507-G-C.
Other names: c.2147G>C, p.Gly716Ala (NM_001288607.2); c.2333G>C, p.Gly778Ala (NM_001288608.2); c.2264G>C, p.Gly755Ala (NM_001378596.1, NM_025008.5); short protein forms G778A, G716A, G755A.
Identifiers: ClinVar variation 2007750 (VCV002007750.1), dbSNP rs200531596, ClinGen allele CA1078603.
Genomic context (GRCh38, chr1:150,558,031, plus strand): 5'-GCAGCCGCTCCTGTGGCCCCGGCACCCAGCACCGCCAGCTGCAGTGCCGGCAGGAATTTG[G>C]GGGGGGTGGCTCCTCGGTGCCCCCGGAGCGCTGTGGACATCTCCCCCGGCCCAACATCAC-3'
Protein context (NP_061905.2, residues 745-765): HRQLQCRQEF[Gly755Ala]GGGSSVPPER

ClinVar aggregate classification (germline): Uncertain significance (1 of 4 stars; one submission).

gnomAD v4.1: 7 of 1,612,780 alleles (0.00043%); highest among the groups gnomAD compares: Non-Finnish European, 0.00051%; no homozygotes.

Submission:

Labcorp Genetics (formerly Invitae), Labcorp
Classification: Uncertain significance. Last evaluated: 2022-04-10. Review status: criteria provided, single submitter. Criteria: Invitae Variant Classification Sherloc (09022015). Collection method: clinical testing. Allele origin: germline.
Comment: This sequence change replaces glycine, which is neutral and non-polar, with alanine, which is neutral and non-polar, at codon 755 of the ADAMTSL4 protein (p.Gly755Ala). This variant is present in population databases (rs200531596, gnomAD 0.003%). This variant has not been reported in the literature in individuals affected with ADAMTSL4-related conditions. Algorithms developed to predict the effect of missense changes on protein structure and function output the following: SIFT: "Deleterious"; PolyPhen-2: "Benign"; Align-GVGD: "Class C55". The alanine amino acid residue is found in multiple mammalian species, which suggests that this missense change does not adversely affect protein function. In summary, the available evidence is currently insufficient to determine the role of this variant in disease. Therefore, it has been classified as a Variant of Uncertain Significance.